The following is an entry in ClinVar:

NM_017739.4(POMGNT1):c.196A>G (p.Ser66Gly)

Gene: POMGNT1 (protein O-linked mannose N-acetylglucosaminyltransferase 1 (beta 1,2-); minus strand). Cytogenetic location: 1p34.1.
Variant type: single nucleotide variant.
Coding change: c.196A>G on transcript NM_017739.4 (MANE Select); coding-DNA position 196, A replaced by G.
Protein change: p.Ser66Gly; replaces serine 66 with glycine.
Molecular consequence: missense variant. On other transcripts: 5 prime UTR variant (1).
Genome position (GRCh38, 1-based): chr1:46,197,009, T>C on the plus strand (A>G on the coding strand, the complement: POMGNT1 is on the minus strand). VCF-style: chr1-46197009-T-C. GRCh37 (hg19) VCF-style: chr1-46662681-T-C.
Other names: c.196A>G, p.Ser66Gly (NM_001243766.2, NM_001410783.1); c.130A>G, p.Ser44Gly (NM_001290129.3); c.-234A>G (NM_001290130.2); short protein forms S44G, S66G.
Identifiers: ClinVar variation 2181378 (VCV002181378.1), dbSNP rs2525466057, ClinGen allele CA340192011.

ClinVar aggregate classification (germline): Uncertain significance. Review status: criteria provided, single submitter (1 of 4 stars). 2 submissions from 2 submitters: Uncertain significance (1). 1 of the submissions does not count toward it. Last evaluated 2022-02-18.

Conditions:
Muscle eye brain disease (MEB). Also called: Santavuori congenital muscular dystrophy. Identifiers: Orphanet 588, Orphanet 899, MedGen C0457133, MONDO:0018939.
Autosomal recessive limb-girdle muscular dystrophy type 2O. Also called: Limb-Girdle Muscular Dystrophy Type 3C; MUSCULAR DYSTROPHY-DYSTROGLYCANOPATHY (LIMB-GIRDLE), TYPE C, 3; MUSCULAR DYSTROPHY-DYSTROGLYCANOPATHY, LIMB-GIRDLE, POMGNT1-RELATED. Identifiers: Orphanet 206564, MedGen C3150417, MONDO:0013161, OMIM 613157.
Muscular dystrophy-dystroglycanopathy (congenital with impaired intellectual development), type B, 3. Also called: Muscular dystrophy-dystroglycanopathy (congenital with intellectual disability), type B3; MUSCULAR DYSTROPHY, CONGENITAL, POMGNT1-RELATED. Identifiers: MedGen C3150412, MONDO:0013155, OMIM 613151.

Allele frequency attached by ClinVar (database versions not stated): gnomAD exomes below 0.00001.

Submissions (2):

Labcorp Genetics (formerly Invitae), Labcorp
Classification: Uncertain significance for Autosomal recessive limb-girdle muscular dystrophy type 2O; Muscular dystrophy-dystroglycanopathy (congenital with impaired intellectual development), type B, 3. Last evaluated: 2022-02-18. Review status: criteria provided, single submitter. Criteria: Invitae Variant Classification Sherloc (09022015). Collection method: clinical testing. Allele origin: germline.
Comment: This sequence change replaces serine, which is neutral and polar, with glycine, which is neutral and non-polar, at codon 66 of the POMGNT1 protein (p.Ser66Gly). This variant is not present in population databases (gnomAD no frequency). This variant has not been reported in the literature in individuals affected with POMGNT1-related conditions. Advanced modeling of protein sequence and biophysical properties (such as structural, functional, and spatial information, amino acid conservation, physicochemical variation, residue mobility, and thermodynamic stability) performed at Invitae indicates that this missense variant is not expected to disrupt POMGNT1 protein function. In summary, the available evidence is currently insufficient to determine the role of this variant in disease. Therefore, it has been classified as a Variant of Uncertain Significance.

Natera, Inc.
Classification: Uncertain significance for Muscle-eye-brain disease. Last evaluated: 2025-05-08. Review status: no assertion criteria provided. Collection method: clinical testing. Allele origin: germline. Not counted in ClinVar's aggregate classification.